The following is an entry in ClinVar:

NM_002693.3(POLG):c.2815G>A (p.Val939Met)

Gene: POLG (DNA polymerase gamma, catalytic subunit; minus strand). Cytogenetic location: 15q26.1.
Variant type: single nucleotide variant.
Coding change: c.2815G>A on transcript NM_002693.3 (MANE Select); coding-DNA position 2815, G replaced by A.
Protein change: p.Val939Met; replaces valine 939 with methionine.
Molecular consequence: missense variant.
Genome position (GRCh38, 1-based): chr15:89,320,932, C>T on the plus strand (G>A on the coding strand, the complement: POLG is on the minus strand). VCF-style: chr15-89320932-C-T. GRCh37 (hg19) VCF-style: chr15-89864163-C-T.
Other names: c.2815G>A, p.Val939Met (NM_001126131.2); short protein forms V939M.
Identifiers: ClinVar variation 405576 (VCV000405576.8), dbSNP rs748045254, ClinGen allele CA7724342.

ClinVar aggregate classification (germline): Uncertain significance. Review status: criteria provided, multiple submitters, no conflicts (2 of 4 stars). 2 submissions from 2 submitters: Uncertain significance (2). Last evaluated 2024-12-12.

Conditions:
Progressive sclerosing poliodystrophy (MTDPS4A). Also called: Mitochondrial DNA depletion syndrome 4A (Alpers type); Alpers Syndrome; ALPERS DIFFUSE DEGENERATION OF CEREBRAL GRAY MATTER WITH HEPATIC CIRRHOSIS; Mitochondrial DNA Depletion Syndrome 4A; Alpers-Huttenlocher Syndrome (AHS); ALPERS PROGRESSIVE INFANTILE POLIODYSTROPHY. Identifiers: Orphanet 726, MedGen C0205710, MONDO:0008758, OMIM 203700.

Allele frequency attached by ClinVar (database versions not stated): gnomAD exomes below 0.00001 and 0.00002; ExAC 0.00001; gnomAD 0.00001; TOPMed 0.00002.
gnomAD v4.1: 28 of 1,613,914 alleles (0.0017%); highest among the groups gnomAD compares: Non-Finnish European, 0.0023%; no homozygotes.

Submissions (2):

Labcorp Genetics (formerly Invitae), Labcorp
Classification: Uncertain significance for Progressive sclerosing poliodystrophy. Last evaluated: 2024-12-12. Review status: criteria provided, single submitter. Criteria: Invitae Variant Classification Sherloc (09022015). Collection method: clinical testing. Allele origin: germline.
Comment: This sequence change replaces valine, which is neutral and non-polar, with methionine, which is neutral and non-polar, at codon 939 of the POLG protein (p.Val939Met). This variant is present in population databases (rs748045254, gnomAD 0.002%). This variant has not been reported in the literature in individuals affected with POLG-related conditions. ClinVar contains an entry for this variant (Variation ID: 405576). Invitae Evidence Modeling of protein sequence and biophysical properties (such as structural, functional, and spatial information, amino acid conservation, physicochemical variation, residue mobility, and thermodynamic stability) indicates that this missense variant is expected to disrupt POLG protein function with a positive predictive value of 95%. In summary, the available evidence is currently insufficient to determine the role of this variant in disease. Therefore, it has been classified as a Variant of Uncertain Significance.

GeneDx
Classification: Uncertain significance. Last evaluated: 2024-09-16. Review status: criteria provided, single submitter. Criteria: GeneDx Variant Classification Process June 2021. Collection method: clinical testing. Allele origin: germline. Affected: yes.
Comment: Not observed at significant frequency in large population cohorts (gnomAD); In silico analysis indicates that this missense variant does not alter protein structure/function; Has not been previously published as pathogenic or benign to our knowledge